The following is an entry in ClinVar:

ClinVar aggregate classification (germline): Uncertain significance (1 of 4 stars; one submission).

Submission:

Labcorp Genetics (formerly Invitae), Labcorp
Classification: Uncertain significance. Last evaluated: 2021-03-25. Review status: criteria provided, single submitter. Criteria: Invitae Variant Classification Sherloc (09022015). Collection method: clinical testing. Allele origin: germline.
Comment: This sequence change replaces alanine with valine at codon 1844 of the COL27A1 protein (p.Ala1844Val). The alanine residue is moderately conserved and there is a small physicochemical difference between alanine and valine. This variant is not present in population databases (ExAC no frequency). This variant has not been reported in the literature in individuals with COL27A1-related conditions. Advanced modeling of protein sequence and biophysical properties (such as structural, functional, and spatial information, amino acid conservation, physicochemical variation, residue mobility, and thermodynamic stability) performed at Invitae indicates that this missense variant is not expected to disrupt COL27A1 protein function. In summary, the available evidence is currently insufficient to determine the role of this variant in disease. Therefore, it has been classified as a Variant of Uncertain Significance.

NM_032888.4(COL27A1):c.5531C>T (p.Ala1844Val)

Gene: COL27A1 (collagen type XXVII alpha 1 chain; plus strand). Cytogenetic location: 9q32.
Variant type: single nucleotide variant.
Coding change: c.5531C>T on transcript NM_032888.4 (MANE Select); coding-DNA position 5531, C replaced by T.
Protein change: p.Ala1844Val; replaces alanine 1844 with valine.
Molecular consequence: missense variant.
Genome position (GRCh38, 1-based): chr9:114,310,643, C>T. VCF-style: chr9-114310643-C-T. GRCh37 (hg19) VCF-style: chr9-117072923-C-T.
Other names: short protein forms A1844V.
Identifiers: ClinVar variation 1938114 (VCV001938114.2), dbSNP rs1829383617, ClinGen allele CA374598009.